The following is an entry in ClinVar:

ClinVar aggregate classification (germline): Uncertain significance (1 of 4 stars; one submission).

Conditions:
Epidermodysplasia verruciformis. Identifiers: Orphanet 302, MedGen C0014522, MONDO:0009176.

Allele frequency attached by ClinVar (database versions not stated): gnomAD exomes 0.00001; ExAC 0.00010; TOPMed 0.00010; gnomAD 0.00014; ESP Exome Variant Server 0.00015.

Submission:

Labcorp Genetics (formerly Invitae), Labcorp
Classification: Uncertain significance for Epidermodysplasia verruciformis. Last evaluated: 2024-10-15. Review status: criteria provided, single submitter. Criteria: Invitae Variant Classification Sherloc (09022015). Collection method: clinical testing. Allele origin: germline.
Comment: This sequence change falls in intron 4 of the TMC8 gene. It does not directly change the encoded amino acid sequence of the TMC8 protein. It affects a nucleotide within the consensus splice site. This variant is present in population databases (rs369233408, gnomAD 0.05%). This variant has not been reported in the literature in individuals affected with TMC8-related conditions. ClinVar contains an entry for this variant (Variation ID: 2145265). Variants that disrupt the consensus splice site are a relatively common cause of aberrant splicing (PMID: 17576681, 9536098). Algorithms developed to predict the effect of sequence changes on RNA splicing suggest that this variant is not likely to affect RNA splicing. In summary, the available evidence is currently insufficient to determine the role of this variant in disease. Therefore, it has been classified as a Variant of Uncertain Significance.

Literature cited by the submitters: PubMed 17576681; PubMed 9536098.

NM_152468.5(TMC8):c.448+3G>A

Gene: TMC8 (transmembrane channel like 8; plus strand). Cytogenetic location: 17q25.3.
Variant type: single nucleotide variant.
Coding change: c.448+3G>A on transcript NM_152468.5 (MANE Select); 3 bases into the intron after coding-DNA position 448, G replaced by A.
Molecular consequence: intron variant.
Genome position (GRCh38, 1-based): chr17:78,132,511, G>A. VCF-style: chr17-78132511-G-A. GRCh37 (hg19) VCF-style: chr17-76128592-G-A.
Identifiers: ClinVar variation 2145265 (VCV002145265.2), dbSNP rs369233408, ClinGen allele CA8796444.